The following is an entry in ClinVar:

ClinVar aggregate classification (germline): Likely benign. Review status: criteria provided, single submitter (1 of 4 stars). 2 submissions from 2 submitters: Likely benign (1). 1 of the submissions does not count toward it. Last evaluated 2024-07-01.

Conditions:
Rubinstein-Taybi syndrome due to EP300 haploinsufficiency. Also called: EP300-Related Rubinstein-Taybi Syndrome; RUBINSTEIN-TAYBI SYNDROME 2. Identifiers: Orphanet 353284, Orphanet 783, MedGen C3150941, MONDO:0013364, OMIM 613684.
EP300-related disorder. Also called: EP300-related condition; EP300-related disorders.

gnomAD v4.1: 25 of 1,614,040 alleles (0.0015%); highest among the groups gnomAD compares: Non-Finnish European, 0.0021%; no homozygotes.

Submissions (2):

Labcorp Genetics (formerly Invitae), Labcorp
Classification: Likely benign for Rubinstein-Taybi syndrome due to EP300 haploinsufficiency. Last evaluated: 2024-07-01. Review status: criteria provided, single submitter. Criteria: Invitae Variant Classification Sherloc (09022015). Collection method: clinical testing. Allele origin: germline.

PreventionGenetics, part of Exact Sciences
Classification: Uncertain significance for EP300-related condition. Last evaluated: 2024-05-12. Review status: no assertion criteria provided. Collection method: clinical testing. Allele origin: germline. Not counted in ClinVar's aggregate classification.
Comment: The EP300 c.1478A>G variant is predicted to result in the amino acid substitution p.Asn493Ser. To our knowledge, this variant has not been reported in the literature. This variant is reported in 0.00088% of alleles in individuals of European (Non-Finnish) descent in gnomAD. At this time, the clinical significance of this variant is uncertain due to the absence of conclusive functional and genetic evidence.

NM_001429.4(EP300):c.1478A>G (p.Asn493Ser)

Gene: EP300 (EP300 lysine acetyltransferase; plus strand). Cytogenetic location: 22q13.2.
Variant type: single nucleotide variant.
Coding change: c.1478A>G on transcript NM_001429.4 (MANE Select); coding-DNA position 1478, A replaced by G.
Protein change: p.Asn493Ser; replaces asparagine 493 with serine.
Molecular consequence: missense variant.
Genome position (GRCh38, 1-based): chr22:41,131,583, A>G. VCF-style: chr22-41131583-A-G. GRCh37 (hg19) VCF-style: chr22-41527587-A-G.
Other names: c.1478A>G, p.Asn493Ser (NM_001362843.2); short protein forms N493S.
Identifiers: ClinVar variation 3358560 (VCV003358560.3).